The following is an entry in ClinVar:

NM_001101362.3(KBTBD13):c.988T>A (p.Trp330Arg)

Gene: KBTBD13 (kelch repeat and BTB domain containing 13; plus strand). Cytogenetic location: 15q22.31.
Variant type: single nucleotide variant.
Coding change: c.988T>A on transcript NM_001101362.3 (MANE Select); coding-DNA position 988, T replaced by A.
Protein change: p.Trp330Arg; replaces tryptophan 330 with arginine.
Molecular consequence: missense variant.
Genome position (GRCh38, 1-based): chr15:65,077,803, T>A. VCF-style: chr15-65077803-T-A. GRCh37 (hg19) VCF-style: chr15-65370141-T-A.
Other names: short protein forms W330R.
Identifiers: ClinVar variation 2703311 (VCV002703311.3), dbSNP rs1417404375, ClinGen allele CA392864859.

ClinVar aggregate classification (germline): Uncertain significance (1 of 4 stars; one submission).

Conditions:
Nemaline myopathy 6 (NEM6). Also called: Nemaline myopathy 6, autosomal dominant. Identifiers: Orphanet 171439, MedGen C1836472, MONDO:0012237, OMIM 609273.

Submission:

Labcorp Genetics (formerly Invitae), Labcorp
Classification: Uncertain significance for Nemaline myopathy 6. Last evaluated: 2023-12-25. Review status: criteria provided, single submitter. Criteria: Invitae Variant Classification Sherloc (09022015). Collection method: clinical testing. Allele origin: germline.
Comment: This sequence change replaces tryptophan, which is neutral and slightly polar, with arginine, which is basic and polar, at codon 330 of the KBTBD13 protein (p.Trp330Arg). This variant is present in population databases (no rsID available, gnomAD 0.006%). This variant has not been reported in the literature in individuals affected with KBTBD13-related conditions. Advanced modeling of protein sequence and biophysical properties (such as structural, functional, and spatial information, amino acid conservation, physicochemical variation, residue mobility, and thermodynamic stability) performed at Invitae indicates that this missense variant is expected to disrupt KBTBD13 protein function with a positive predictive value of 80%. In summary, the available evidence is currently insufficient to determine the role of this variant in disease. Therefore, it has been classified as a Variant of Uncertain Significance.